The following is an entry in ClinVar:

ClinVar aggregate classification (germline): Likely pathogenic (1 of 4 stars; one submission).

Conditions:
Duchenne muscular dystrophy (DMD). Also called: MUSCULAR DYSTROPHY, PSEUDOHYPERTROPHIC PROGRESSIVE, DUCHENNE TYPE; Duchenne Muscular Dystrophy (DMD). Identifiers: Orphanet 98896, MedGen C0013264, MONDO:0010679, OMIM 310200.

Submission:

Labcorp Genetics (formerly Invitae), Labcorp
Classification: Likely pathogenic for Duchenne muscular dystrophy. Last evaluated: 2022-11-01. Review status: criteria provided, single submitter. Criteria: Invitae Variant Classification Sherloc (09022015). Collection method: clinical testing. Allele origin: germline.
Comment: This sequence change falls in intron 26 of the DMD gene. It does not directly change the encoded amino acid sequence of the DMD protein. RNA analysis indicates that this variant induces altered splicing and may result in an absent or disrupted protein product. The frequency data for this variant in the population databases is considered unreliable, as metrics indicate insufficient coverage at this position in the gnomAD database. This variant has been observed in individual(s) with Becker muscular dystrophy (BMD) (PMID: 25193336). ClinVar contains an entry for this variant (Variation ID: 1516868). Studies have shown that this variant results in altered splicing and introduces a premature termination codon (PMID: 25193336). The resulting mRNA is expected to undergo nonsense-mediated decay. In summary, the currently available evidence indicates that the variant is pathogenic, but additional data are needed to prove that conclusively. Therefore, this variant has been classified as Likely Pathogenic.

Literature cited by the submitters: PubMed 25193336.

NM_004006.3(DMD):c.3603+2053G>C

Gene: DMD (dystrophin; minus strand). Cytogenetic location: Xp21.1.
Variant type: single nucleotide variant.
Coding change: c.3603+2053G>C on transcript NM_004006.3 (MANE Select); 2053 bases into the intron after coding-DNA position 3603, G replaced by C.
Molecular consequence: intron variant.
Genome position (GRCh38, 1-based): chrX:32,452,609, C>G on the plus strand (G>C on the coding strand, the complement: DMD is on the minus strand). VCF-style: chrX-32452609-C-G. GRCh37 (hg19) VCF-style: chrX-32470726-C-G.
Other names: c.3579+2053G>C (NM_000109.4); c.3591+2053G>C (NM_004009.3); c.3234+2053G>C (NM_004010.3).
Identifiers: ClinVar variation 1516868 (VCV001516868.8), dbSNP rs2148332252, ClinGen allele CA2573158574.